The following is an entry in ClinVar:

ClinVar aggregate classification (germline): Uncertain significance (1 of 4 stars; one submission).

Conditions:
Pitt-Hopkins-like syndrome 2 (PTHSL2). Identifiers: Orphanet 221150, Orphanet 600663, MedGen C3280479, MONDO:0013690, OMIM 614325.

Submission:

Labcorp Genetics (formerly Invitae), Labcorp
Classification: Uncertain significance for Pitt-Hopkins-like syndrome 2. Last evaluated: 2023-01-26. Review status: criteria provided, single submitter. Criteria: Invitae Variant Classification Sherloc (09022015). Collection method: clinical testing. Allele origin: germline.
Comment: In summary, the available evidence is currently insufficient to determine the role of this variant in disease. Therefore, it has been classified as a Variant of Uncertain Significance. Algorithms developed to predict the effect of missense changes on protein structure and function are either unavailable or do not agree on the potential impact of this missense change (SIFT: "Deleterious"; PolyPhen-2: "Probably Damaging"; Align-GVGD: "Class C0"). This variant has not been reported in the literature in individuals affected with NRXN1-related conditions. This variant is not present in population databases (gnomAD no frequency). This sequence change replaces glycine, which is neutral and non-polar, with alanine, which is neutral and non-polar, at codon 156 of the NRXN1 protein (p.Gly156Ala).

NM_001330078.2(NRXN1):c.467G>C (p.Gly156Ala)

Gene: NRXN1 (neurexin 1; minus strand). Cytogenetic location: 2p16.3.
Variant type: single nucleotide variant.
Coding change: c.467G>C on transcript NM_001330078.2 (MANE Select); coding-DNA position 467, G replaced by C.
Protein change: p.Gly156Ala; replaces glycine 156 with alanine.
Molecular consequence: missense variant.
Genome position (GRCh38, 1-based): chr2:51,027,807, C>G on the plus strand (G>C on the coding strand, the complement: NRXN1 is on the minus strand). VCF-style: chr2-51027807-C-G. GRCh37 (hg19) VCF-style: chr2-51254945-C-G.
Other names: c.467G>C, p.Gly156Ala (NM_001135659.3, NM_001330077.2, NM_001330079.2 and 15 more transcripts); short protein forms G156A.
Identifiers: ClinVar variation 3005682 (VCV003005682.3), dbSNP rs2468076418, ClinGen allele CA346823934.